The following is an entry in ClinVar:

NM_001114753.3(ENG):c.844T>G (p.Phe282Val)

Gene: ENG (endoglin; minus strand). Cytogenetic location: 9q34.11.
Variant type: single nucleotide variant.
Coding change: c.844T>G on transcript NM_001114753.3 (MANE Select); coding-DNA position 844, T replaced by G.
Protein change: p.Phe282Val; replaces phenylalanine 282 with valine.
Molecular consequence: missense variant.
Genome position (GRCh38, 1-based): chr9:127,824,947, A>C on the plus strand (T>G on the coding strand, the complement: ENG is on the minus strand). VCF-style: chr9-127824947-A-C. GRCh37 (hg19) VCF-style: chr9-130587226-A-C.
Other names: c.844T>G, p.Phe282Val (NM_000118.4, NM_001406715.1); c.298T>G, p.Phe100Val (NM_001278138.2); short protein forms F100V, F282V.
Identifiers: ClinVar variation 2141884 (VCV002141884.4), dbSNP rs2539073218, ClinGen allele CA374982753.
Genomic context (GRCh38, chr9:127,824,947, plus strand): 5'-CCCCCAGGAGGCCTTGAGGTGTGTCTGGGAGCTTGAAGCCACGAATGTTTTTCTCTGGAA[A>C]GATCTTGAAGGAGTATTCTCCAGTGGTCTAATGGTGGGGAGAGAGGCAGAACAGGGGGCC-3'
Protein context (NP_001108225.1, residues 272-292): WTTGEYSFKI[Phe282Val]PEKNIRGFKL

ClinVar aggregate classification (germline): Uncertain significance (1 of 4 stars; one submission).

Conditions:
Hereditary hemorrhagic telangiectasia (HHT). Also called: ORW DISEASE; Osler Weber Rendu syndrome; OSLER-RENDU-WEBER DISEASE; Osler hemorrhagic telangiectasia syndrome. Identifiers: Orphanet 774, MedGen C0039445, MONDO:0019180. Disease mechanism: loss of function.

gnomAD v4.1: 2 of 1,613,882 alleles (0.00012%); highest among the groups gnomAD compares: Non-Finnish European, 0.00017%; no homozygotes.

Submission:

Labcorp Genetics (formerly Invitae), Labcorp
Classification: Uncertain significance for Hereditary hemorrhagic telangiectasia. Last evaluated: 2025-11-12. Review status: criteria provided, single submitter. Criteria: Invitae Variant Classification Sherloc (09022015). Collection method: clinical testing. Allele origin: germline.
Comment: This sequence change replaces phenylalanine, which is neutral and non-polar, with valine, which is neutral and non-polar, at codon 282 of the ENG protein (p.Phe282Val). This variant is not present in population databases (gnomAD no frequency). This missense change has been observed in individual(s) with hereditary hemorrhagic telangiectasia (PMID: 25312062). ClinVar contains an entry for this variant (Variation ID: 2141884). Invitae Evidence Modeling of protein sequence and biophysical properties (such as structural, functional, and spatial information, amino acid conservation, physicochemical variation, residue mobility, and thermodynamic stability) has been performed for this missense variant. However, the output from this modeling did not meet the statistical confidence thresholds required to predict the impact of this variant on ENG protein function. Experimental studies have shown that this missense change affects ENG function (PMID: 25312062, 28564608). In summary, the available evidence is currently insufficient to determine the role of this variant in disease. Therefore, it has been classified as a Variant of Uncertain Significance.

Literature cited by the submitters: PubMed 25312062; PubMed 28564608.